The following is an entry in ClinVar:

NM_000038.6(APC):c.8137A>C (p.Met2713Leu)

Gene: APC (APC regulator of WNT signaling pathway; plus strand). Cytogenetic location: 5q22.2.
Variant type: single nucleotide variant.
Coding change: c.8137A>C on transcript NM_000038.6 (MANE Select); coding-DNA position 8137, A replaced by C.
Protein change: p.Met2713Leu; replaces methionine 2713 with leucine.
Molecular consequence: missense variant.
Genome position (GRCh38, 1-based): chr5:112,843,731, A>C. VCF-style: chr5-112843731-A-C. GRCh37 (hg19) VCF-style: chr5-112179428-A-C.
Other names: c.8137A>C, p.Met2713Leu (NM_001127510.3, NM_001354895.2); c.8083A>C, p.Met2695Leu (NM_001127511.3); c.8191A>C, p.Met2731Leu (NM_001354896.2); c.8167A>C, p.Met2723Leu (NM_001354897.2); c.8062A>C, p.Met2688Leu (NM_001354898.2); c.8053A>C, p.Met2685Leu (NM_001354899.2); c.8014A>C, p.Met2672Leu (NM_001354900.2); c.7960A>C, p.Met2654Leu (NM_001354901.2); and 5 more; short protein forms M2695L, M2713L, M2430L, M2685L, M2587L, M2688L, M2553L, M2612L.
Identifiers: ClinVar variation 82636 (VCV000082636.2), dbSNP rs80277939, ClinGen allele CA014373.
Genomic context (GRCh38, chr5:112,843,731, plus strand): 5'-AACATTAAAGATTCAAAAGATAATCAGGCAAAACAAAATGTGGGTAATGGCAGTGTTCCC[A>C]TGCGTACCGTGGGTTTGGAAAATCGCCTGAACTCCTTTATTCAGGTGGATGCCCCTGACC-3'
Protein context (NP_000029.2, residues 2703-2723): KQNVGNGSVP[Met2713Leu]RTVGLENRLN

ClinVar aggregate classification (germline): other (0 of 4 stars; one submission).

Conditions:
Familial colorectal cancer. Identifiers: MedGen CN280943, MONDO:0023113. Disease mechanism: loss of function.

Submission:

Systems Biology Platform Zhejiang California International NanoSystems Institute
Classification: other for Familial colorectal cancer. Review status: no assertion criteria provided. Collection method: not provided. Allele origin: unknown.
ClinVar note: Converted during submission from cancer to other.